The following is an entry in ClinVar:

ClinVar aggregate classification (germline): Uncertain significance. Review status: criteria provided, multiple submitters, no conflicts (2 of 4 stars). 2 submissions from 2 submitters: Uncertain significance (2). Last evaluated 2025-03-04.

Conditions:
Hereditary cancer-predisposing syndrome. Also called: Neoplastic Syndromes, Hereditary; Hereditary neoplastic syndrome; Tumor predisposition; Hereditary Cancer Syndrome. Identifiers: Orphanet 140162, MedGen C0027672, MeSH D009386, MONDO:0015356.
Familial cancer of breast. Also called: hereditary breast carcinoma; BREAST CANCER, FAMILIAL; Hereditary breast cancer. Identifiers: Orphanet 227535, MedGen C0346153, MONDO:0016419, OMIM 114480. Disease mechanism: loss of function.
Fanconi anemia complementation group J. Also called: BRIP1-Related Fanconi Anemia. Identifiers: Orphanet 84, MedGen C1836860, MONDO:0012187, OMIM 609054.

gnomAD v4.1: 2 of 1,612,746 alleles (0.00012%); highest among the groups gnomAD compares: South Asian, 0.0022%; no homozygotes.

Submissions (2):

Labcorp Genetics (formerly Invitae), Labcorp
Classification: Uncertain significance for Familial cancer of breast; Fanconi anemia complementation group J. Last evaluated: 2025-03-04. Review status: criteria provided, single submitter. Criteria: Invitae Variant Classification Sherloc (09022015). Collection method: clinical testing. Allele origin: germline.
Comment: This sequence change replaces leucine, which is neutral and non-polar, with arginine, which is basic and polar, at codon 1223 of the BRIP1 protein (p.Leu1223Arg). This variant is not present in population databases (gnomAD no frequency). This variant has not been reported in the literature in individuals affected with BRIP1-related conditions. ClinVar contains an entry for this variant (Variation ID: 1691987). Invitae Evidence Modeling of protein sequence and biophysical properties (such as structural, functional, and spatial information, amino acid conservation, physicochemical variation, residue mobility, and thermodynamic stability) indicates that this missense variant is not expected to disrupt BRIP1 protein function with a negative predictive value of 95%. In summary, the available evidence is currently insufficient to determine the role of this variant in disease. Therefore, it has been classified as a Variant of Uncertain Significance.

Sema4
Classification: Uncertain significance for Hereditary cancer-predisposing syndrome. Last evaluated: 2021-12-23. Review status: criteria provided, single submitter. Criteria: Sema4 Curation Guidelines. Collection method: curation. Allele origin: germline.
Comment: The BRIP1 c.3668T>G (p.L1223R) variant has not been reported in the literature to our knowledge. It was not observed in the large and broad cohorts of the Genome Aggregation Database (PMID: 32461654). It has not been reported in ClinVar. Functional studies have not been performed, and in silico predictions of the variant's effect on protein function are inconclusive. The evidence is insufficient to meet ACMG/AMP criteria for classifying the variant as benign or pathogenic. Thus, the clinical significance of this variant is currently uncertain.

NM_032043.3(BRIP1):c.3668T>G (p.Leu1223Arg)

Gene: BRIP1 (BRCA1 interacting DNA helicase 1; minus strand). Cytogenetic location: 17q23.2.
Variant type: single nucleotide variant.
Coding change: c.3668T>G on transcript NM_032043.3 (MANE Select); coding-DNA position 3668, T replaced by G.
Protein change: p.Leu1223Arg; replaces leucine 1223 with arginine.
Molecular consequence: missense variant.
Genome position (GRCh38, 1-based): chr17:61,683,378, A>C on the plus strand (T>G on the coding strand, the complement: BRIP1 is on the minus strand). VCF-style: chr17-61683378-A-C. GRCh37 (hg19) VCF-style: chr17-59760739-A-C.
Other names: short protein forms L1223R.
Identifiers: ClinVar variation 1691987 (VCV001691987.3), dbSNP rs2144068065, ClinGen allele CA400477863.
Genomic context (GRCh38, chr17:61,683,378, plus strand): 5'-CCTTTATTTTTGGAAGGAGATGGTTTAAAGTTCTTTATTTCTATTTCATGAGTTTTTCCC[A>C]GTTCCAGTTCATTTATCCAAGTTGTTTTTACATTACCATCAATGTCATCAATTTTACTTT-3'
Protein context (NP_114432.2, residues 1213-1233): VKTTWINELE[Leu1223Arg]GKTHEIEIKN